The following is an entry in ClinVar:

ClinVar aggregate classification (germline): Uncertain significance (1 of 4 stars; one submission).

Submission:

Ambry Genetics
Classification: Uncertain significance. Last evaluated: 2025-01-06. Review status: criteria provided, single submitter. Criteria: Ambry Variant Classification Scheme 2023. Collection method: clinical testing. Allele origin: germline.
Comment: The p.I507L variant (also known as c.1519A>C), located in coding exon 9 of the GALNT12 gene, results from an A to C substitution at nucleotide position 1519. The isoleucine at codon 507 is replaced by leucine, an amino acid with highly similar properties. This amino acid position is conserved. In addition, this alteration is predicted to be tolerated by in silico analysis. Based on the available evidence, the clinical significance of this variant remains unclear.

NM_024642.5(GALNT12):c.1519A>C (p.Ile507Leu)

Gene: GALNT12 (polypeptide N-acetylgalactosaminyltransferase 12; plus strand). Cytogenetic location: 9q22.33.
Variant type: single nucleotide variant.
Coding change: c.1519A>C on transcript NM_024642.5 (MANE Select); coding-DNA position 1519, A replaced by C.
Protein change: p.Ile507Leu; replaces isoleucine 507 with leucine.
Molecular consequence: missense variant.
Genome position (GRCh38, 1-based): chr9:98,846,037, A>C. VCF-style: chr9-98846037-A-C. GRCh37 (hg19) VCF-style: chr9-101608319-A-C.
Other names: short protein forms I507L.
Identifiers: ClinVar variation 3852664 (VCV003852664.1).